The following is an entry in ClinVar:

NM_000234.3(LIG1):c.2040G>C (p.Gln680His)

Gene: LIG1 (DNA ligase 1; minus strand). Cytogenetic location: 19q13.33.
Variant type: single nucleotide variant.
Coding change: c.2040G>C on transcript NM_000234.3 (MANE Select); coding-DNA position 2040, G replaced by C.
Protein change: p.Gln680His; replaces glutamine 680 with histidine.
Molecular consequence: missense variant. On other transcripts: non-coding transcript variant (6).
Genome position (GRCh38, 1-based): chr19:48,123,283, C>G on the plus strand (G>C on the coding strand, the complement: LIG1 is on the minus strand). VCF-style: chr19-48123283-C-G. GRCh37 (hg19) VCF-style: chr19-48626540-C-G.
Other names: c.1947G>C, p.Gln649His (NM_001289063.2); c.1836G>C, p.Gln612His (NM_001289064.2); c.2037G>C, p.Gln679His (NM_001320970.2); c.1950G>C, p.Gln650His (NM_001320971.2); short protein forms Q649H, Q679H, Q650H, Q612H, Q680H.
Identifiers: ClinVar variation 1938769 (VCV001938769.4), dbSNP rs568934454, ClinGen allele CA9546571.
Genomic context (GRCh38, chr19:48,123,283, plus strand): 5'-GTCCAGGGAGGTGGCGAAGACAAACTCGCCCTCTGTCTCCACAAAGTTCTCCCGGAGCAG[C>G]TGCCGGCGCCGGGAAAGGGGCTCACGTACCAGGGACTGCAGGGCCGGCAGGGAGAAGAGA-3'
Protein context (NP_000225.1, residues 670-690): LVREPLSRRR[Gln680His]LLRENFVETE

ClinVar aggregate classification (germline): Uncertain significance. Review status: criteria provided, multiple submitters, no conflicts (2 of 4 stars). 2 submissions from 2 submitters: Uncertain significance (2). Last evaluated 2024-12-03.

Allele frequency attached by ClinVar (database versions not stated): gnomAD exomes 0.00001; ExAC 0.00002; gnomAD 0.00002; TOPMed 0.00002; 1000 Genomes Project 0.00020; 1000 Genomes Project 30x 0.00031.
gnomAD v4.1: 16 of 1,614,034 alleles (0.00099%); highest among the groups gnomAD compares: East Asian, 0.033%; no homozygotes.

Submissions (2):

Ambry Genetics
Classification: Uncertain significance. Last evaluated: 2024-12-03. Review status: criteria provided, single submitter. Criteria: Ambry Variant Classification Scheme 2023. Collection method: clinical testing. Allele origin: germline.

Labcorp Genetics (formerly Invitae), Labcorp
Classification: Uncertain significance. Last evaluated: 2022-06-23. Review status: criteria provided, single submitter. Criteria: Invitae Variant Classification Sherloc (09022015). Collection method: clinical testing. Allele origin: germline.
Comment: In summary, the available evidence is currently insufficient to determine the role of this variant in disease. Therefore, it has been classified as a Variant of Uncertain Significance. Algorithms developed to predict the effect of missense changes on protein structure and function are either unavailable or do not agree on the potential impact of this missense change (SIFT: "Deleterious"; PolyPhen-2: "Possibly Damaging"; Align-GVGD: "Class C0"). This variant has not been reported in the literature in individuals affected with LIG1-related conditions. This variant is present in population databases (rs568934454, gnomAD 0.08%). This sequence change replaces glutamine, which is neutral and polar, with histidine, which is basic and polar, at codon 680 of the LIG1 protein (p.Gln680His).